The following is an entry in ClinVar:

ClinVar aggregate classification (germline): Uncertain significance (1 of 4 stars; one submission).

Conditions:
Bethlem myopathy 1A. Also called: MYOPATHY, BENIGN CONGENITAL, WITH CONTRACTURES; Bethlem myopathy 1; Bethlem Muscular Dystrophy. Identifiers: Orphanet 610, MedGen CN029274, MONDO:0024530, OMIM 158810.

Allele frequency attached by ClinVar (database versions not stated): gnomAD exomes 0.00001; ExAC 0.00002; TOPMed 0.00003; gnomAD 0.00005; 1000 Genomes Project 30x 0.00016; 1000 Genomes Project 0.00020.
gnomAD v4.1: 17 of 1,612,498 alleles (0.0011%); highest among the groups gnomAD compares: African/African-American, 0.021%; no homozygotes.

Submission:

Labcorp Genetics (formerly Invitae), Labcorp
Classification: Uncertain significance for Bethlem myopathy 1A. Last evaluated: 2025-04-07. Review status: criteria provided, single submitter. Criteria: Invitae Variant Classification Sherloc (09022015). Collection method: clinical testing. Allele origin: germline.
Comment: This sequence change replaces proline, which is neutral and non-polar, with leucine, which is neutral and non-polar, at codon 832 of the COL6A3 protein (p.Pro832Leu). This variant is present in population databases (rs537443400, gnomAD 0.01%). This variant has not been reported in the literature in individuals affected with COL6A3-related conditions. ClinVar contains an entry for this variant (Variation ID: 2985988). An algorithm developed to predict the effect of missense changes on protein structure and function (PolyPhen-2) suggests that this variant is likely to be tolerated. Algorithms developed to predict the effect of sequence changes on RNA splicing suggest that this variant may disrupt the consensus splice site. In summary, the available evidence is currently insufficient to determine the role of this variant in disease. Therefore, it has been classified as a Variant of Uncertain Significance.

NM_004369.4(COL6A3):c.2495C>T (p.Pro832Leu)

Gene: COL6A3 (collagen type VI alpha 3 chain; minus strand). Cytogenetic location: 2q37.3.
Variant type: single nucleotide variant.
Coding change: c.2495C>T on transcript NM_004369.4 (MANE Select); coding-DNA position 2495, C replaced by T.
Protein change: p.Pro832Leu; replaces proline 832 with leucine.
Molecular consequence: missense variant. On other transcripts: intron variant (1).
Genome position (GRCh38, 1-based): chr2:237,378,638, G>A on the plus strand (C>T on the coding strand, the complement: COL6A3 is on the minus strand). VCF-style: chr2-237378638-G-A. GRCh37 (hg19) VCF-style: chr2-238287281-G-A.
Other names: c.1274C>T, p.Pro425Leu (NM_057164.5); c.1877C>T, p.Pro626Leu (NM_057165.5, NM_057167.4); c.677-1294C>T (NM_057166.5); short protein forms P626L, P832L, P425L.
Identifiers: ClinVar variation 2985988 (VCV002985988.3), dbSNP rs537443400, ClinGen allele CA2189402.